The following is an entry in ClinVar:

ClinVar aggregate classification (germline): Uncertain significance (1 of 4 stars; one submission).

Conditions:
DICER1-related tumor predisposition. Also called: DICER1-related pleuropulmonary blastoma cancer predisposition syndrome; DICER1 syndrome. Identifiers: Orphanet 284343, MedGen C3839822, MONDO:0100216.

Submission:

Labcorp Genetics (formerly Invitae), Labcorp
Classification: Uncertain significance for DICER1-related tumor predisposition. Last evaluated: 2024-09-04. Review status: criteria provided, single submitter. Criteria: Invitae Variant Classification Sherloc (09022015). Collection method: clinical testing. Allele origin: germline.
Comment: This sequence change replaces aspartic acid, which is acidic and polar, with valine, which is neutral and non-polar, at codon 609 of the DICER1 protein (p.Asp609Val). This variant is not present in population databases (gnomAD no frequency). This variant has not been reported in the literature in individuals affected with DICER1-related conditions. Invitae Evidence Modeling of protein sequence and biophysical properties (such as structural, functional, and spatial information, amino acid conservation, physicochemical variation, residue mobility, and thermodynamic stability) has been performed for this missense variant. However, the output from this modeling did not meet the statistical confidence thresholds required to predict the impact of this variant on DICER1 protein function. In summary, the available evidence is currently insufficient to determine the role of this variant in disease. Therefore, it has been classified as a Variant of Uncertain Significance.

NM_177438.3(DICER1):c.1826A>T (p.Asp609Val)

Gene: DICER1 (dicer 1, ribonuclease III; minus strand). Cytogenetic location: 14q32.13.
Variant type: single nucleotide variant.
Coding change: c.1826A>T on transcript NM_177438.3 (MANE Select); coding-DNA position 1826, A replaced by T.
Protein change: p.Asp609Val; replaces aspartic acid 609 with valine.
Molecular consequence: missense variant. On other transcripts: non-coding transcript variant (6).
Genome position (GRCh38, 1-based): chr14:95,115,748, T>A on the plus strand (A>T on the coding strand, the complement: DICER1 is on the minus strand). VCF-style: chr14-95115748-T-A. GRCh37 (hg19) VCF-style: chr14-95582085-T-A.
Other names: c.1259A>T, p.Asp420Val (NM_001395691.1); c.1826A>T, p.Asp609Val (NM_001395692.1, NM_001395693.1, NM_001395694.1 and 12 more transcripts); c.1421A>T, p.Asp474Val (NM_001395696.1, NM_001395698.1, NM_001395687.1 and 3 more transcripts); c.143A>T, p.Asp48Val (NM_001395697.1); c.1544A>T, p.Asp515Val (NM_001395686.1); short protein forms D420V, D48V, D515V, D609V, D474V.
Identifiers: ClinVar variation 3676677 (VCV003676677.2).
Genomic context (GRCh38, chr14:95,115,748, plus strand): 5'-GTGTTGATTGTGACTCGTGGACCACCATCGTCAGGCCTCAACACATATGGTGGGAAAACG[T>A]CATCATCATCCATGACAGGATCAATGTCAGTCTCACCAGTATCAACCGACTTGGAACACT-3'
Protein context (NP_803187.1, residues 599-619): TDIDPVMDDD[Asp609Val]VFPPYVLRPD